The following is an entry in ClinVar:

NM_000179.3(MSH6):c.3084A>G (p.Ser1028=)

Gene: MSH6 (mutS homolog 6; plus strand). Cytogenetic location: 2p16.3.
Variant type: single nucleotide variant.
Coding change: c.3084A>G on transcript NM_000179.3 (MANE Select); coding-DNA position 3084, A replaced by G.
Protein change: p.Ser1028=; no amino-acid change (serine 1028 retained).
Molecular consequence: synonymous variant. On other transcripts: non-coding transcript variant (5), intron variant (2).
Genome position (GRCh38, 1-based): chr2:47,801,067, A>G. VCF-style: chr2-47801067-A-G. GRCh37 (hg19) VCF-style: chr2-48028206-A-G.
Other names: c.2694A>G, p.Ser898= (NM_001281492.2); c.2178A>G, p.Ser726= (NM_001281493.2, NM_001281494.2, NM_001406811.1 and 6 more transcripts); c.3180A>G, p.Ser1060= (NM_001406795.1, NM_001406802.1); c.3084A>G, p.Ser1028= (NM_001406796.1, NM_001406798.1, NM_001406800.1 and 2 more transcripts); c.2787A>G, p.Ser929= (NM_001406797.1, NM_001406801.1, NM_001406805.1 and 10 more transcripts); c.2559A>G, p.Ser853= (NM_001406799.1, NM_001406806.1, NM_001406807.1); c.3006A>G, p.Ser1002= (NM_001406804.1); c.3090A>G, p.Ser1030= (NM_001406813.1); and 4 more.
Identifiers: ClinVar variation 3903874 (VCV003903874.1).
Genomic context (GRCh38, chr2:47,801,067, plus strand): 5'-CAAAACTATTGAAAAGAAGTTGGCTAATCTCATAAATGCTGAAGAACGGAGGGATGTATC[A>G]TTGAAGGACTGCATGCGGCGACTGTTCTATAACTTTGATAAAAATTACAAGGACTGGCAG-3'
Protein context (NP_000170.1, residues 1018-1038): LINAEERRDV[Ser1028=]LKDCMRRLFY

ClinVar aggregate classification (germline): Benign (1 of 4 stars; one submission).

Conditions:
Lynch syndrome 5 (LYNCH5). Also called: Colorectal cancer, hereditary nonpolyposis, type 5; Hereditary non-polyposis colorectal cancer, type 5. Identifiers: Orphanet 144, MedGen C1833477, MONDO:0013710, OMIM 614350. Disease mechanism: loss of function.

Submission:

Myriad Genetics, Inc.
Classification: Benign for Lynch syndrome 5. Last evaluated: 2025-01-03. Review status: criteria provided, single submitter. Criteria: Myriad Autosomal Dominant, Autosomal Recessive and X-Linked Classification Criteria (2023). Collection method: clinical testing. Allele origin: unknown.
Comment: This variant is considered benign. This variant is a silent/synonymous amino acid change and it is not expected to impact splicing.